The following is an entry in ClinVar:

NM_001127208.3(TET2):c.1049A>G (p.Glu350Gly)

Genes: TET2 (tet methylcytosine dioxygenase 2; plus strand), TET2-AS1 (TET2 antisense RNA 1; minus strand). Cytogenetic location: 4q24.
Variant type: single nucleotide variant.
Coding change: c.1049A>G on transcript NM_001127208.3 (MANE Select); coding-DNA position 1049, A replaced by G.
Protein change: p.Glu350Gly; replaces glutamic acid 350 with glycine.
Molecular consequence: missense variant.
Genome position (GRCh38, 1-based): chr4:105,234,991, A>G. VCF-style: chr4-105234991-A-G. GRCh37 (hg19) VCF-style: chr4-106156148-A-G.
Other names: c.1049A>G, p.Glu350Gly (NM_017628.4); short protein forms E350G.
Identifiers: ClinVar variation 4865585 (VCV004865585.1).

ClinVar aggregate classification (germline): Uncertain significance (1 of 4 stars; one submission).

gnomAD v4.1: 1 of 1,614,112 alleles (0.000062%); no homozygotes.

Submission:

Ambry Genetics
Classification: Uncertain significance. Last evaluated: 2026-05-26. Review status: criteria provided, single submitter. Criteria: Ambry Variant Classification Scheme 2023. Collection method: clinical testing. Allele origin: germline.
Comment: The p.E350G variant (also known as c.1049A>G), located in coding exon 1 of the TET2 gene, results from an A to G substitution at nucleotide position 1049. The glutamic acid at codon 350 is replaced by glycine, an amino acid with similar properties. This amino acid position is conserved. In addition, this alteration is predicted to be tolerated by in silico analysis. Based on the available evidence, the clinical significance of this variant remains unclear.